The following is an entry in ClinVar:

ClinVar aggregate classification (germline): Uncertain significance (1 of 4 stars; one submission).

Conditions:
Evans syndrome, immunodeficiency, and premature immunosenescence associated with tripeptidyl-peptidase II deficiency. Identifiers: MedGen CN231723. Disease mechanism: loss of function.

Submission:

Labcorp Genetics (formerly Invitae), Labcorp
Classification: Uncertain significance for Evans syndrome, immunodeficiency, and premature immunosenescence associated with tripeptidyl-peptidase II deficiency. Last evaluated: 2022-10-03. Review status: criteria provided, single submitter. Criteria: Invitae Variant Classification Sherloc (09022015). Collection method: clinical testing. Allele origin: germline.
Comment: This sequence change replaces serine, which is neutral and polar, with arginine, which is basic and polar, at codon 584 of the TPP2 protein (p.Ser584Arg). This variant is not present in population databases (gnomAD no frequency). This variant has not been reported in the literature in individuals affected with TPP2-related conditions. ClinVar contains an entry for this variant (Variation ID: 1368560). Algorithms developed to predict the effect of missense changes on protein structure and function are either unavailable or do not agree on the potential impact of this missense change (SIFT: "Deleterious"; PolyPhen-2: "Benign"; Align-GVGD: "Class C0"). In summary, the available evidence is currently insufficient to determine the role of this variant in disease. Therefore, it has been classified as a Variant of Uncertain Significance.

NM_001330588.2(TPP2):c.1752C>G (p.Ser584Arg)

Gene: TPP2 (tripeptidyl peptidase 2; plus strand). Cytogenetic location: 13q33.1.
Variant type: single nucleotide variant.
Coding change: c.1752C>G on transcript NM_001330588.2 (MANE Select); coding-DNA position 1752, C replaced by G.
Protein change: p.Ser584Arg; replaces serine 584 with arginine.
Molecular consequence: missense variant. On other transcripts: non-coding transcript variant (1).
Genome position (GRCh38, 1-based): chr13:102,637,155, C>G. VCF-style: chr13-102637155-C-G. GRCh37 (hg19) VCF-style: chr13-103289505-C-G.
Other names: c.1752C>G, p.Ser584Arg (NM_001367947.1, NM_003291.4); short protein forms S584R.
Identifiers: ClinVar variation 1368560 (VCV001368560.8), dbSNP rs2139509012, ClinGen allele CA388488935.